The following is an entry in ClinVar:

NM_000090.4(COL3A1):c.2980C>G (p.Pro994Ala)

Gene: COL3A1 (collagen type III alpha 1 chain; plus strand). Cytogenetic location: 2q32.2.
Variant type: single nucleotide variant.
Coding change: c.2980C>G on transcript NM_000090.4 (MANE Select); coding-DNA position 2980, C replaced by G.
Protein change: p.Pro994Ala; replaces proline 994 with alanine.
Molecular consequence: missense variant.
Genome position (GRCh38, 1-based): chr2:189,005,398, C>G. VCF-style: chr2-189005398-C-G. GRCh37 (hg19) VCF-style: chr2-189870124-C-G.
Other names: short protein forms P994A.
Identifiers: ClinVar variation 923315 (VCV000923315.15), dbSNP rs142457159, ClinGen allele CA075765.

ClinVar aggregate classification (germline): Uncertain significance. Review status: criteria provided, multiple submitters, no conflicts (2 of 4 stars). 5 submissions from 5 submitters: Uncertain significance (5). Last evaluated 2025-02-18.

Conditions:
Ehlers-Danlos syndrome, type 4 (EDSVASC). Also called: Ehlers-Danlos Syndrome Type IV; Ehlers-Danlos syndrome vascular type; Ehlers Danlos syndrome, ecchymotic type; Ehlers Danlos syndrome, arterial type; Ehlers Danlos syndrome, Sack-Barabas type. Identifiers: Orphanet 286, MedGen C0268338, MONDO:0017314, OMIM 130050.
Familial thoracic aortic aneurysm and aortic dissection (TAAD). Also called: Thoracic aortic aneurysms and dissections. Identifiers: Orphanet 91387, MedGen C4707243, MONDO:0019625.

Allele frequency attached by ClinVar (database versions not stated): TOPMed 0.00002; ESP Exome Variant Server 0.00008; gnomAD 0.00001.
gnomAD v4.1: 32 of 1,613,898 alleles (0.002%); highest among the groups gnomAD compares: Non-Finnish European, 0.0026%; no homozygotes.

Submissions (5):

GeneDx
Classification: Uncertain significance. Last evaluated: 2025-02-18. Review status: criteria provided, single submitter. Criteria: GeneDx Variant Classification Process June 2021. Collection method: clinical testing. Allele origin: germline. Affected: yes.
Comment: Has not been previously published as pathogenic or benign to our knowledge; Not observed at significant frequency in large population cohorts (gnomAD); In silico analysis supports that this missense variant has a deleterious effect on protein structure/function; Occurs in the triple helical domain at the X position in the canonical Gly-X-Y repeat; although this variant may have an effect on normal protein folding and function, missense substitution at the X position is not a common mechanism of disease (HGMD)

All of Us Research Program, National Institutes of Health
Classification: Uncertain significance for Ehlers-Danlos syndrome, type 4. Last evaluated: 2024-08-06. Review status: criteria provided, single submitter. Criteria: ACMG Guidelines, 2015. Collection method: clinical testing. Allele origin: germline. Inheritance: Autosomal dominant inheritance. Observed: 5 variant alleles, 5 heterozygotes.
Comment: This missense variant replaces proline with alanine at codon 994 of the COL3A1 protein. Computational prediction tools and conservation analyses suggest that this variant may have deleterious impact on the protein function. Computational splicing tools suggest that this variant may not impact RNA splicing. To our knowledge, functional assays have not been performed for this variant nor has this variant been reported in individuals affected with cardiovascular disorders in the literature. This variant has been identified in 4/251440 chromosomes in the general population by the Genome Aggregation Database (gnomAD). Available evidence is insufficient to determine the role of this variant in disease conclusively. Therefore, this variant is classified as a Variant of Uncertain Significance.

This study involves interpretation of variants in research participants for the purpose of population health screening. Participant phenotype was not available at the time of variant classification. Additional details can be found in publication PMID: 35346344, PMCID: PMC8962531

Labcorp Genetics (formerly Invitae), Labcorp
Classification: Uncertain significance for Ehlers-Danlos syndrome, type 4. Last evaluated: 2024-03-08. Review status: criteria provided, single submitter. Criteria: Invitae Variant Classification Sherloc (09022015). Collection method: clinical testing. Allele origin: germline.
Comment: This sequence change replaces proline, which is neutral and non-polar, with alanine, which is neutral and non-polar, at codon 994 of the COL3A1 protein (p.Pro994Ala). This variant is present in population databases (rs142457159, gnomAD 0.003%). This variant has not been reported in the literature in individuals affected with COL3A1-related conditions. ClinVar contains an entry for this variant (Variation ID: 923315). Advanced modeling of protein sequence and biophysical properties (such as structural, functional, and spatial information, amino acid conservation, physicochemical variation, residue mobility, and thermodynamic stability) performed at Invitae indicates that this missense variant is not expected to disrupt COL3A1 protein function with a negative predictive value of 95%. In summary, the available evidence is currently insufficient to determine the role of this variant in disease. Therefore, it has been classified as a Variant of Uncertain Significance.

Color Diagnostics, LLC DBA Color Health
Classification: Uncertain significance for Familial thoracic aortic aneurysm and aortic dissection. Last evaluated: 2024-03-06. Review status: criteria provided, single submitter. Criteria: ACMG Guidelines, 2015. Collection method: clinical testing. Allele origin: germline.
Comment: This missense variant replaces proline with alanine at codon 994 of the COL3A1 protein. Computational prediction tool indicates that this variant may have an uncertain impact on protein structure and function. To our knowledge, functional studies have not been reported for this variant. This variant has not been reported in individuals affected with COL3A1-related disorders in the literature. This variant has been identified in 4/251440 chromosomes in the general population by the Genome Aggregation Database (gnomAD). The available evidence is insufficient to determine the role of this variant in disease conclusively. Therefore, this variant is classified as a Variant of Uncertain Significance.

Ambry Genetics
Classification: Uncertain significance for Familial thoracic aortic aneurysm and aortic dissection. Last evaluated: 2023-05-30. Review status: criteria provided, single submitter. Criteria: Ambry Variant Classification Scheme 2023. Collection method: clinical testing. Allele origin: germline.
Comment: The p.P994A variant (also known as c.2980C>G), located in coding exon 41 of the COL3A1 gene, results from a C to G substitution at nucleotide position 2980. The proline at codon 994 is replaced by alanine, an amino acid with highly similar properties. This amino acid position is well conserved in available vertebrate species. In addition, the in silico prediction for this alteration is inconclusive. Since supporting evidence is limited at this time, the clinical significance of this alteration remains unclear.